The following is an entry in ClinVar:

ClinVar aggregate classification (germline): Uncertain significance (1 of 4 stars; one submission).

gnomAD v4.1: 29 of 1,614,024 alleles (0.0018%); highest among the groups gnomAD compares: Admixed American, 0.005%; no homozygotes.

Submission:

Labcorp Genetics (formerly Invitae), Labcorp
Classification: Uncertain significance. Last evaluated: 2025-12-23. Review status: criteria provided, single submitter. Criteria: Invitae Variant Classification Sherloc (09022015). Collection method: clinical testing. Allele origin: germline.
Comment: This sequence change replaces arginine, which is basic and polar, with glutamine, which is neutral and polar, at codon 470 of the TOP1MT protein (p.Arg470Gln). This variant is present in population databases (rs148347677, gnomAD 0.004%). This variant has not been reported in the literature in individuals affected with TOP1MT-related conditions. ClinVar contains an entry for this variant (Variation ID: 3711818). Invitae Evidence Modeling of protein sequence and biophysical properties (such as structural, functional, and spatial information, amino acid conservation, physicochemical variation, residue mobility, and thermodynamic stability) indicates that this missense variant is expected to disrupt TOP1MT protein function with a positive predictive value of 80%. In summary, the available evidence is currently insufficient to determine the role of this variant in disease. Therefore, it has been classified as a Variant of Uncertain Significance.

NM_052963.3(TOP1MT):c.1409G>A (p.Arg470Gln)

Gene: TOP1MT (DNA topoisomerase I mitochondrial; minus strand). Cytogenetic location: 8q24.3.
Variant type: single nucleotide variant.
Coding change: c.1409G>A on transcript NM_052963.3 (MANE Select); coding-DNA position 1409, G replaced by A.
Protein change: p.Arg470Gln; replaces arginine 470 with glutamine.
Molecular consequence: missense variant.
Genome position (GRCh38, 1-based): chr8:143,316,048, C>T on the plus strand (G>A on the coding strand, the complement: TOP1MT is on the minus strand). VCF-style: chr8-143316048-C-T. GRCh37 (hg19) VCF-style: chr8-144398218-C-T.
Other names: c.1115G>A, p.Arg372Gln (NM_001258446.1, NM_001258447.1); short protein forms R372Q, R470Q.
Identifiers: ClinVar variation 3711818 (VCV003711818.2).